The following is an entry in ClinVar:

ClinVar aggregate classification (germline): Likely pathogenic (1 of 4 stars; one submission).

Conditions:
Fanconi anemia (FA). Also called: Fanconi's anemia. Identifiers: Orphanet 84, MedGen C0015625, MeSH D005199, MONDO:0019391.

Submission:

Labcorp Genetics (formerly Invitae), Labcorp
Classification: Likely pathogenic for Fanconi anemia. Last evaluated: 2026-01-05. Review status: criteria provided, single submitter. Criteria: Invitae Variant Classification Sherloc (09022015). Collection method: clinical testing. Allele origin: germline.
Comment: This sequence change affects an acceptor splice site in intron 7 of the FANCA gene. It is expected to disrupt RNA splicing. Variants that disrupt the donor or acceptor splice site typically lead to a loss of protein function (PMID: 16199547), and loss-of-function variants in FANCA are known to be pathogenic (PMID: 19367192). This variant is not present in population databases (gnomAD no frequency). Disruption of this splice site has been observed in individual(s) with Fanconi anemia (PMID: 15643609, 29098742; internal data). ClinVar contains an entry for this variant (Variation ID: 2881063). Algorithms developed to predict the effect of sequence changes on RNA splicing suggest that this variant may disrupt the consensus splice site. In summary, the currently available evidence indicates that the variant is pathogenic, but additional data are needed to prove that conclusively. Therefore, this variant has been classified as Likely Pathogenic.

Literature cited by the submitters: PubMed 16199547; PubMed 19367192; PubMed 15643609; PubMed 29098742.

NM_000135.4(FANCA):c.710-1G>A

Gene: FANCA (FA complementation group A; minus strand). Cytogenetic location: 16q24.3.
Variant type: single nucleotide variant.
Coding change: c.710-1G>A on transcript NM_000135.4 (MANE Select); the canonical splice acceptor site of the intron before coding-DNA position 710, G replaced by A.
Molecular consequence: splice acceptor variant.
Genome position (GRCh38, 1-based): chr16:89,803,342, C>T on the plus strand (G>A on the coding strand, the complement: FANCA is on the minus strand). VCF-style: chr16-89803342-C-T. GRCh37 (hg19) VCF-style: chr16-89869750-C-T.
Other names: c.710-1G>A (NM_001286167.3, NM_001018112.3); c.614-1G>A (NM_001351830.2).
Identifiers: ClinVar variation 2881063 (VCV002881063.3), dbSNP rs1388128874, ClinGen allele CA397476530.